The following is an entry in ClinVar:

ClinVar aggregate classification (germline): Likely pathogenic (1 of 4 stars; one submission).

Conditions:
KIDINS220-related disorder. Also called: KIDINS220-related condition.

Submission:

PreventionGenetics, part of Exact Sciences
Classification: Likely pathogenic for KIDINS220-related condition. Last evaluated: 2025-11-24. Review status: criteria provided, single submitter. Criteria: ACMG Guidelines, 2015. Collection method: clinical testing. Allele origin: germline.
Comment: The KIDINS220 c.2913dupT variant is predicted to result in a frameshift and premature protein termination (p.Thr972Tyrfs*2). To our knowledge, this variant has not been reported in the literature or in a large population database (gnomAD), indicating this variant is rare. Frameshift variants in KIDINS220 are expected to be pathogenic. However, this variant is located in exon 22 of 30 and therefore is expected to be pathogenic only for autosomal recessive KIDINS220 associated disorders. This variant is interpreted as likely pathogenic.

NM_020738.4(KIDINS220):c.2913dup (p.Thr972fs)

Gene: KIDINS220 (kinase D interacting substrate 220; minus strand). Cytogenetic location: 2p25.1.
Variant type: Duplication.
Coding change: c.2913dup on transcript NM_020738.4 (MANE Select); coding-DNA position 2913, one base duplicated (T; older notation c.2913dupT).
Protein change: p.Thr972fs; shifts the reading frame from threonine 972.
Molecular consequence: frameshift variant. On other transcripts: non-coding transcript variant (2).
Genome position (GRCh38, 1-based): chr2:8,770,768, A duplicated on the plus strand (T on the coding strand, the reverse complement: KIDINS220 is on the minus strand); the first of 2 consecutive A bases (chr2:8,770,768-8,770,769); duplicating either gives the same sequence. VCF-style (leftmost placement, unchanged base first): chr2-8770767-T-TA. GRCh37 (hg19) VCF-style: chr2-8910897-T-TA.
Other names: c.2916dup, p.Thr973fs (NM_001348729.2, NM_001348731.2, NM_001348734.2 and 3 more transcripts); c.2913dup, p.Thr972fs (NM_001348732.2, NM_001348735.2, NM_001348738.2 and 3 more transcripts); c.2787dup, p.Thr930fs (NM_001348736.2); short protein forms T972fs, T930fs, T973fs.
Identifiers: ClinVar variation 4995661 (VCV004995661.1).